The following is an entry in ClinVar:

ClinVar aggregate classification (germline): Uncertain significance. Review status: criteria provided, multiple submitters, no conflicts (2 of 4 stars). 2 submissions from 2 submitters: Uncertain significance (2). Last evaluated 2025-06-03.

Conditions:
Inborn genetic diseases. Identifiers: MedGen C0950123, MeSH D030342.
Curry-Hall syndrome (WAD). Also called: WEYERS ACRODENTAL DYSOSTOSIS. Identifiers: Orphanet 952, MedGen C0457013, MONDO:0008673, OMIM 193530.
Ellis-van Creveld syndrome (EVC). Also called: MESOECTODERMAL DYSPLASIA; EVC-Related Ellis-van Creveld Syndrome; EVC2-Related Ellis-van Creveld Syndrome; Chondroectodermal dysplasia. Identifiers: Orphanet 289, MedGen C0013903, MONDO:0009162, OMIM 225500.

Allele frequency attached by ClinVar (database versions not stated): TOPMed 0.00005; gnomAD 0.00007; gnomAD exomes 0.00013; ExAC 0.00024.
gnomAD v4.1: 195 of 1,608,810 alleles (0.012%); highest among the groups gnomAD compares: Non-Finnish European, 0.015%; no homozygotes.

Submissions (2):

Ambry Genetics
Classification: Uncertain significance for Inborn genetic diseases. Last evaluated: 2025-06-03. Review status: criteria provided, single submitter. Criteria: Ambry Variant Classification Scheme 2023. Collection method: clinical testing. Allele origin: germline.

Labcorp Genetics (formerly Invitae), Labcorp
Classification: Uncertain significance for Curry-Hall syndrome; Ellis-van Creveld syndrome. Last evaluated: 2024-04-29. Review status: criteria provided, single submitter. Criteria: Invitae Variant Classification Sherloc (09022015). Collection method: clinical testing. Allele origin: germline.
Comment: This sequence change replaces alanine, which is neutral and non-polar, with valine, which is neutral and non-polar, at codon 1132 of the EVC2 protein (p.Ala1132Val). This variant is present in population databases (rs199838475, gnomAD 0.03%). This variant has not been reported in the literature in individuals affected with EVC2-related conditions. ClinVar contains an entry for this variant (Variation ID: 2141495). An algorithm developed to predict the effect of missense changes on protein structure and function (PolyPhen-2) suggests that this variant is likely to be tolerated. In summary, the available evidence is currently insufficient to determine the role of this variant in disease. Therefore, it has been classified as a Variant of Uncertain Significance.

NM_147127.5(EVC2):c.3395C>T (p.Ala1132Val)

Gene: EVC2 (EvC ciliary complex subunit 2; minus strand). Cytogenetic location: 4p16.2.
Variant type: single nucleotide variant.
Coding change: c.3395C>T on transcript NM_147127.5 (MANE Select); coding-DNA position 3395, C replaced by T.
Protein change: p.Ala1132Val; replaces alanine 1132 with valine.
Molecular consequence: missense variant.
Genome position (GRCh38, 1-based): chr4:5,568,606, G>A on the plus strand (C>T on the coding strand, the complement: EVC2 is on the minus strand). VCF-style: chr4-5568606-G-A. GRCh37 (hg19) VCF-style: chr4-5570333-G-A.
Other names: c.3155C>T, p.Ala1052Val (NM_001166136.2); c.3395C>T (NM_147127.4); short protein forms A1052V, A1132V.
Identifiers: ClinVar variation 2141495 (VCV002141495.4), dbSNP rs199838475, ClinGen allele CA2834328.